The following is an entry in ClinVar:

NM_005612.5(REST):c.2491G>T (p.Ala831Ser)

Gene: REST (RE1 silencing transcription factor; plus strand). Cytogenetic location: 4q12.
Variant type: single nucleotide variant.
Coding change: c.2491G>T on transcript NM_005612.5 (MANE Select); coding-DNA position 2491, G replaced by T.
Protein change: p.Ala831Ser; replaces alanine 831 with serine.
Molecular consequence: missense variant.
Genome position (GRCh38, 1-based): chr4:56,931,349, G>T. VCF-style: chr4-56931349-G-T. GRCh37 (hg19) VCF-style: chr4-57797515-G-T.
Other names: c.2491G>T, p.Ala831Ser (NM_001193508.2, NM_001363453.3); short protein forms A831S.
Identifiers: ClinVar variation 836669 (VCV000836669.9), dbSNP rs774780252, ClinGen allele CA2932496.

ClinVar aggregate classification (germline): Uncertain significance (1 of 4 stars; one submission).

Allele frequency attached by ClinVar (database versions not stated): gnomAD exomes below 0.00001; ExAC 0.00001; gnomAD 0.00001; TOPMed 0.00002.
gnomAD v4.1: 3 of 1,614,124 alleles (0.00019%); highest among the groups gnomAD compares: African/African-American, 0.004%; no homozygotes.

Submission:

Labcorp Genetics (formerly Invitae), Labcorp
Classification: Uncertain significance. Last evaluated: 2022-09-02. Review status: criteria provided, single submitter. Criteria: Invitae Variant Classification Sherloc (09022015). Collection method: clinical testing. Allele origin: germline.
Comment: In summary, the available evidence is currently insufficient to determine the role of this variant in disease. Therefore, it has been classified as a Variant of Uncertain Significance. Algorithms developed to predict the effect of sequence changes on RNA splicing suggest that this variant may create or strengthen a splice site. Algorithms developed to predict the effect of missense changes on protein structure and function are either unavailable or do not agree on the potential impact of this missense change (SIFT: "Deleterious"; PolyPhen-2: "Benign"; Align-GVGD: "Class C0"). ClinVar contains an entry for this variant (Variation ID: 836669). This variant has not been reported in the literature in individuals affected with REST-related conditions. This variant is present in population databases (rs774780252, gnomAD 0.008%). This sequence change replaces alanine, which is neutral and non-polar, with serine, which is neutral and polar, at codon 831 of the REST protein (p.Ala831Ser).